The following is an entry in ClinVar:

NM_004656.4(BAP1):c.432T>G (p.His144Gln)

Gene: BAP1 (BRCA1 associated deubiquitinase 1; minus strand). Cytogenetic location: 3p21.1.
Variant type: single nucleotide variant.
Coding change: c.432T>G on transcript NM_004656.4 (MANE Select); coding-DNA position 432, T replaced by G.
Protein change: p.His144Gln; replaces histidine 144 with glutamine.
Molecular consequence: missense variant.
Genome position (GRCh38, 1-based): chr3:52,407,404, A>C on the plus strand (T>G on the coding strand, the complement: BAP1 is on the minus strand). VCF-style: chr3-52407404-A-C. GRCh37 (hg19) VCF-style: chr3-52441420-A-C.
Other names: c.432T>G, p.His144Gln (NM_001410772.1); short protein forms H144Q.
Identifiers: ClinVar variation 2095854 (VCV002095854.4), dbSNP rs372943588, ClinGen allele CA353110676.
Genomic context (GRCh38, chr3:52,407,404, plus strand): 5'-AAAATGATACTCCCCCTACTCCCACCCCACATCAGCTCCCACAGCTCCCACACACCTGGC[A>C]TGGCTATTATGGGCCTTGGCCAACTCCGGGGCATTGCCAATCGCATATCCTTTGCTCTAC-3'
Protein context (NP_004647.1, residues 134-154): APELAKAHNS[His144Gln]ARPEPRHLPE

ClinVar aggregate classification (germline): Uncertain significance (1 of 4 stars; one submission).

Conditions:
BAP1-related tumor predisposition syndrome (TPDS1). Also called: COMMON Syndrome; TUMOR PREDISPOSITION SYNDROME 1; BAP1 tumor predisposition syndrome; Tumor susceptibility linked to germline BAP1 mutations. Identifiers: Orphanet 289539, MedGen C3280492, MONDO:0013692, OMIM 614327.

Submission:

Labcorp Genetics (formerly Invitae), Labcorp
Classification: Uncertain significance for BAP1-related tumor predisposition syndrome. Last evaluated: 2022-02-10. Review status: criteria provided, single submitter. Criteria: Invitae Variant Classification Sherloc (09022015). Collection method: clinical testing. Allele origin: germline.
Comment: In summary, the available evidence is currently insufficient to determine the role of this variant in disease. Therefore, it has been classified as a Variant of Uncertain Significance. Algorithms developed to predict the effect of missense changes on protein structure and function are either unavailable or do not agree on the potential impact of this missense change (SIFT: "Deleterious"; PolyPhen-2: "Probably Damaging"; Align-GVGD: "Class C0"). This variant has not been reported in the literature in individuals affected with BAP1-related conditions. This variant is not present in population databases (gnomAD no frequency). This sequence change replaces histidine, which is basic and polar, with glutamine, which is neutral and polar, at codon 144 of the BAP1 protein (p.His144Gln).